The following is an entry in ClinVar:

NM_001029883.3(PCARE):c.3460G>A (p.Gly1154Ser)

Gene: PCARE (photoreceptor cilium actin regulator; minus strand). Cytogenetic location: 2p23.2.
Variant type: single nucleotide variant.
Coding change: c.3460G>A on transcript NM_001029883.3 (MANE Select); coding-DNA position 3460, G replaced by A.
Protein change: p.Gly1154Ser; replaces glycine 1154 with serine.
Molecular consequence: missense variant.
Genome position (GRCh38, 1-based): chr2:29,070,802, C>T on the plus strand (G>A on the coding strand, the complement: PCARE is on the minus strand). VCF-style: chr2-29070802-C-T. GRCh37 (hg19) VCF-style: chr2-29293668-C-T.
Other names: short protein forms G1154S.
Identifiers: ClinVar variation 1405950 (VCV001405950.6), dbSNP rs777993707, ClinGen allele CA1591928.

ClinVar aggregate classification (germline): Uncertain significance (1 of 4 stars; one submission).

Allele frequency attached by ClinVar (database versions not stated): TOPMed below 0.00001; ExAC 0.00001; gnomAD exomes 0.00001 and 0.00002.

Submission:

Labcorp Genetics (formerly Invitae), Labcorp
Classification: Uncertain significance. Last evaluated: 2022-08-16. Review status: criteria provided, single submitter. Criteria: Invitae Variant Classification Sherloc (09022015). Collection method: clinical testing. Allele origin: germline.
Comment: In summary, the available evidence is currently insufficient to determine the role of this variant in disease. Therefore, it has been classified as a Variant of Uncertain Significance. Algorithms developed to predict the effect of missense changes on protein structure and function output the following: SIFT: "Tolerated"; PolyPhen-2: "Benign"; Align-GVGD: "Class C0". The serine amino acid residue is found in multiple mammalian species, which suggests that this missense change does not adversely affect protein function. This sequence change replaces glycine, which is neutral and non-polar, with serine, which is neutral and polar, at codon 1154 of the PCARE protein (p.Gly1154Ser). This variant is present in population databases (rs777993707, gnomAD 0.01%). This variant has not been reported in the literature in individuals affected with PCARE-related conditions. ClinVar contains an entry for this variant (Variation ID: 1405950).